The following is an entry in ClinVar:

ClinVar aggregate classification (germline): Uncertain significance. Review status: criteria provided, multiple submitters, no conflicts (2 of 4 stars). 2 submissions from 2 submitters: Uncertain significance (2). Last evaluated 2025-06-29.

Conditions:
Hypokalemic periodic paralysis, type 1. Also called: HypoPP; Hypokalemic Periodic Paralysis Type 1 (AD). Identifiers: Orphanet 681, MedGen C3714580, MONDO:0042979, OMIM 170400.
Malignant hyperthermia, susceptibility to, 5 (MHS5). Also called: CACNA1S-Related Malignant Hyperthermia Susceptibility. Identifiers: Orphanet 423, MedGen C1866077, MONDO:0011163, OMIM 601887.

Allele frequency attached by ClinVar (database versions not stated): gnomAD 0.00001.
gnomAD v4.1: 22 of 1,614,100 alleles (0.0014%); highest among the groups gnomAD compares: Non-Finnish European, 0.0018%; no homozygotes.

Submissions (2):

Color Diagnostics, LLC DBA Color Health
Classification: Uncertain significance for Malignant hyperthermia, susceptibility to, 5. Last evaluated: 2025-06-29. Review status: criteria provided, single submitter. Criteria: ACMG Guidelines, 2015. Collection method: clinical testing. Allele origin: germline.
Comment: This missense variant replaces phenylalanine with serine at codon 581 of the CACNA1S protein. Computational prediction suggests that this variant may have deleterious impact on protein structure and function. To our knowledge, functional studies have not been reported for this variant. This variant has not been reported in individuals affected with CACNA1S-related disorders in the literature. This variant has been identified in 2/251496 chromosomes in the general population by the Genome Aggregation Database (gnomAD). The available evidence is insufficient to determine the role of this variant in disease conclusively. Therefore, this variant is classified as a Variant of Uncertain Significance.

Labcorp Genetics (formerly Invitae), Labcorp
Classification: Uncertain significance for Hypokalemic periodic paralysis, type 1; Malignant hyperthermia, susceptibility to, 5. Last evaluated: 2022-07-30. Review status: criteria provided, single submitter. Criteria: Invitae Variant Classification Sherloc (09022015). Collection method: clinical testing. Allele origin: germline.
Comment: This sequence change replaces phenylalanine, which is neutral and non-polar, with serine, which is neutral and polar, at codon 581 of the CACNA1S protein (p.Phe581Ser). This variant is present in population databases (rs756599133, gnomAD 0.002%). This variant has not been reported in the literature in individuals affected with CACNA1S-related conditions. Algorithms developed to predict the effect of missense changes on protein structure and function (SIFT, PolyPhen-2, Align-GVGD) all suggest that this variant is likely to be disruptive. In summary, the available evidence is currently insufficient to determine the role of this variant in disease. Therefore, it has been classified as a Variant of Uncertain Significance.

NM_000069.3(CACNA1S):c.1742T>C (p.Phe581Ser)

Gene: CACNA1S (calcium voltage-gated channel subunit alpha1 S; minus strand). Cytogenetic location: 1q32.1.
Variant type: single nucleotide variant.
Coding change: c.1742T>C on transcript NM_000069.3 (MANE Select); coding-DNA position 1742, T replaced by C.
Protein change: p.Phe581Ser; replaces phenylalanine 581 with serine.
Molecular consequence: missense variant.
Genome position (GRCh38, 1-based): chr1:201,077,005, A>G on the plus strand (T>C on the coding strand, the complement: CACNA1S is on the minus strand). VCF-style: chr1-201077005-A-G. GRCh37 (hg19) VCF-style: chr1-201046133-A-G.
Other names: short protein forms F581S.
Identifiers: ClinVar variation 2029170 (VCV002029170.5), dbSNP rs756599133, ClinGen allele CA078543.
Genomic context (GRCh38, chr1:201,077,005, plus strand): 5'-GGAAAGTTGTCAAAGTTGCTGCGCCGTACTTCTGTGTCTTCAAAGTCATACCTCCCCCCA[A>G]AGAGCTGCATGCCCAGGAGGGCGAAGATGACGATGAAGAGGAAGAGCAGCAGCAGCAGGG-3'
Protein context (NP_000060.2, residues 571-591): VIFALLGMQL[Phe581Ser]GGRYDFEDTE